The following is an entry in ClinVar:

NM_000551.4(VHL):c.485G>C (p.Cys162Ser)

Genes: VHL (von Hippel-Lindau tumor suppressor; plus strand), LOC107303340 (3p25 von Hippel-Lindau tumor suppressor, E3 ubiquitin protein ligase Alu-mediated recombination region; plus strand). Cytogenetic location: 3p25.3.
Variant type: single nucleotide variant.
Coding change: c.485G>C on transcript NM_000551.4 (MANE Select); coding-DNA position 485, G replaced by C.
Protein change: p.Cys162Ser; replaces cysteine 162 with serine.
Molecular consequence: missense variant. On other transcripts: 3 prime UTR variant (1), non-coding transcript variant (1).
Genome position (GRCh38, 1-based): chr3:10,149,808, G>C. VCF-style: chr3-10149808-G-C. GRCh37 (hg19) VCF-style: chr3-10191492-G-C.
Other names: c.*39G>C (NM_001354723.2); c.362G>C, p.Cys121Ser (NM_198156.3); short protein forms C121S, C162S.
Identifiers: ClinVar variation 3753900 (VCV003753900.2).

ClinVar aggregate classification (germline): Likely pathogenic (1 of 4 stars; one submission).

Conditions:
Chuvash polycythemia. Also called: POLYCYTHEMIA, VHL-DEPENDENT. Identifiers: Orphanet 238557, MedGen C1837915, MONDO:0009892, OMIM 263400.
Von Hippel-Lindau syndrome (VHLS). Also called: VHL syndrome; von Hippel–Lindau syndrome; Von Hippel-Lindau. Identifiers: Orphanet 892, MedGen C0019562, MONDO:0008667, OMIM 193300. Disease mechanism: loss of function.

Submission:

Labcorp Genetics (formerly Invitae), Labcorp
Classification: Likely pathogenic for Von Hippel-Lindau syndrome; Chuvash polycythemia. Last evaluated: 2025-01-30. Review status: criteria provided, single submitter. Criteria: Invitae Variant Classification Sherloc (09022015). Collection method: clinical testing. Allele origin: germline.
Comment: This sequence change replaces cysteine, which is neutral and slightly polar, with serine, which is neutral and polar, at codon 162 of the VHL protein (p.Cys162Ser). This variant is not present in population databases (gnomAD no frequency). This variant has not been reported in the literature in individuals affected with VHL-related conditions. Invitae Evidence Modeling of protein sequence and biophysical properties (such as structural, functional, and spatial information, amino acid conservation, physicochemical variation, residue mobility, and thermodynamic stability) indicates that this missense variant is expected to disrupt VHL protein function with a positive predictive value of 95%. This variant disrupts the p.Cys162 amino acid residue in VHL. Other variant(s) that disrupt this residue have been determined to be pathogenic (PMID: 7728151, 8634692, 8641976, 8956040, 9681856, 9829912, 17350623, 19270817, 25867206, 28052007; internal data). This suggests that this residue is clinically significant, and that variants that disrupt this residue are likely to be disease-causing. In summary, the currently available evidence indicates that the variant is pathogenic, but additional data are needed to prove that conclusively. Therefore, this variant has been classified as Likely Pathogenic.

Literature cited by the submitters: PubMed 7728151; PubMed 8634692; PubMed 8641976; PubMed 8956040; PubMed 9681856; PubMed 9829912; PubMed 17350623; PubMed 19270817; PubMed 25867206; PubMed 28052007.